The following is an entry in ClinVar:

ClinVar aggregate classification (germline): Conflicting classifications of pathogenicity. Review status: criteria provided, conflicting classifications (1 of 4 stars). 5 submissions from 5 submitters: Uncertain significance (4); Likely benign (1). Last evaluated 2025-01-06.

Conditions:
Hereditary breast ovarian cancer syndrome. Also called: Hereditary breast and ovarian cancer syndrome (HBOC); BRCA1- and BRCA2-Associated Hereditary Breast and Ovarian Cancer; Hereditary breast and/or ovarian cancer syndrome; Hereditary breast and ovarian cancer syndrome; Hereditary breast and ovarian cancer; Breast and ovarian cancer. Identifiers: Orphanet 145, MedGen C0677776, MeSH D061325, MONDO:0003582. Disease mechanism: loss of function.
Hereditary cancer-predisposing syndrome. Also called: Neoplastic Syndromes, Hereditary; Hereditary neoplastic syndrome; Tumor predisposition; Hereditary Cancer Syndrome. Identifiers: Orphanet 140162, MedGen C0027672, MeSH D009386, MONDO:0015356.
Breast-ovarian cancer, familial, susceptibility to, 1 (BROVCA1). Also called: BRCA1 Hereditary Breast and Ovarian Cancer; OVARIAN CANCER, SUSCEPTIBILITY TO. Identifiers: Orphanet 145, MedGen C2676676, MONDO:0011450, OMIM 604370. Disease mechanism: loss of function.

Allele frequency attached by ClinVar (database versions not stated): TOPMed below 0.00001.

Submissions (5):

Ambry Genetics
Classification: Uncertain significance for Hereditary cancer-predisposing syndrome. Last evaluated: 2025-01-06. Review status: criteria provided, single submitter. Criteria: Ambry Variant Classification Scheme 2023. Collection method: clinical testing. Allele origin: germline.
Comment: The p.I562M variant (also known as c.1686T>G), located in coding exon 9 of the BRCA1 gene, results from a T to G substitution at nucleotide position 1686. The isoleucine at codon 562 is replaced by methionine, an amino acid with highly similar properties. This amino acid position is not well conserved in available vertebrate species. In addition, the in silico prediction for this alteration is inconclusive. Based on the available evidence, the clinical significance of this variant remains unclear.

All of Us Research Program, National Institutes of Health
Classification: Uncertain significance for Breast-ovarian cancer, familial, susceptibility to, 1. Last evaluated: 2023-08-15. Review status: criteria provided, single submitter. Criteria: ACMG Guidelines, 2015. Collection method: clinical testing. Allele origin: germline. Inheritance: Autosomal dominant inheritance. Observed: 1 variant allele, 1 heterozygote.
Comment: This missense variant replaces isoleucine with methionine at codon 562 of the BRCA1 protein. Computational prediction is inconclusive regarding the impact of this variant on protein structure and function (internally defined REVEL score threshold 0.5 < inconclusive < 0.7, PMID: 27666373). To our knowledge, functional studies have not been reported for this variant. This variant has not been reported in individuals affected with BRCA1-related disorders in the literature. This variant has not been identified in the general population by the Genome Aggregation Database (gnomAD). The available evidence is insufficient to determine the role of this variant in disease conclusively. Therefore, this variant is classified as a Variant of Uncertain Significance.

This study involves interpretation of variants in research participants for the purpose of population health screening. Participant phenotype was not available at the time of variant classification. Additional details can be found in publication PMID: 35346344, PMCID: PMC8962531

Labcorp Genetics (formerly Invitae), Labcorp
Classification: Uncertain significance for Hereditary breast ovarian cancer syndrome. Last evaluated: 2023-05-11. Review status: criteria provided, single submitter. Criteria: Invitae Variant Classification Sherloc (09022015). Collection method: clinical testing. Allele origin: germline.
Comment: In summary, the available evidence is currently insufficient to determine the role of this variant in disease. Therefore, it has been classified as a Variant of Uncertain Significance. Advanced modeling of protein sequence and biophysical properties (such as structural, functional, and spatial information, amino acid conservation, physicochemical variation, residue mobility, and thermodynamic stability) performed at Invitae indicates that this missense variant is not expected to disrupt BRCA1 protein function. ClinVar contains an entry for this variant (Variation ID: 441443). This variant has not been reported in the literature in individuals affected with BRCA1-related conditions. This variant is not present in population databases (gnomAD no frequency). This sequence change replaces isoleucine, which is neutral and non-polar, with methionine, which is neutral and non-polar, at codon 562 of the BRCA1 protein (p.Ile562Met).

University of Washington Department of Laboratory Medicine, University of Washington
Classification: Likely benign for Hereditary cancer-predisposing syndrome. Last evaluated: 2023-03-23. Review status: criteria provided, single submitter. Criteria: Dines et al. (Genet Med. 2020). Collection method: curation. Allele origin: germline.
Comment: Missense variant in a coldspot region where missense variants are very unlikely to be pathogenic (PMID:31911673).

BRCA1 coldspot (exon 11 using historical exon numbering). Reclassification based on statistical prior probability

Women's Health and Genetics/Laboratory Corporation of America, LabCorp
Classification: Uncertain significance. Last evaluated: 2021-05-23. Review status: criteria provided, single submitter. Criteria: LabCorp Variant Classification Summary - May 2015. Collection method: clinical testing. Allele origin: germline.
Comment: Variant summary: BRCA1 c.1686T>G (p.Ile562Met) results in a conservative amino acid change in the encoded protein sequence. Three of five in-silico tools predict a benign effect of the variant on protein function. The variant was absent in 250426 control chromosomes. The available data on variant occurrences in the general population are insufficient to allow any conclusion about variant significance. To our knowledge, no occurrence of c.1686T>G in individuals affected with Hereditary Breast And Ovarian Cancer Syndrome and no experimental evidence demonstrating its impact on protein function have been reported. Two clinical diagnostic laboratories have submitted clinical-significance assessments for this variant to ClinVar after 2014 without evidence for independent evaluation. All laboratories classified the variant as uncertain significance. Based on the evidence outlined above, the variant was classified as uncertain significance.

NM_007294.4(BRCA1):c.1686T>G (p.Ile562Met)

Gene: BRCA1 (BRCA1 DNA repair associated; minus strand). Cytogenetic location: 17q21.31.
Variant type: single nucleotide variant.
Coding change: c.1686T>G on transcript NM_007294.4 (MANE Select); coding-DNA position 1686, T replaced by G.
Protein change: p.Ile562Met; replaces isoleucine 562 with methionine.
Molecular consequence: missense variant. On other transcripts: intron variant (137).
Genome position (GRCh38, 1-based): chr17:43,093,845, A>C on the plus strand (T>G on the coding strand, the complement: BRCA1 is on the minus strand). VCF-style: chr17-43093845-A-C. GRCh37 (hg19) VCF-style: chr17-41245862-A-C.
Other names: c.1545T>G, p.Ile515Met (NM_001407729.1, NM_001407730.1, NM_001407731.1 and 29 more transcripts); c.1542T>G, p.Ile514Met (NM_001407747.1, NM_001407748.1, NM_001407749.1 and 20 more transcripts); c.1473T>G, p.Ile491Met (NM_001407853.1, NM_001407894.1, NM_001407895.1 and 9 more transcripts); c.1686T>G, p.Ile562Met (NM_001407854.1, NM_001407858.1, NM_001407859.1 and 30 more transcripts); c.1683T>G, p.Ile561Met (NM_001407860.1, NM_001407861.1, NM_001407587.1 and 22 more transcripts); c.1485T>G, p.Ile495Met (NM_001407862.1); c.1563T>G, p.Ile521Met (NM_001407863.1, NM_001407939.1, NM_001407648.1 and 19 more transcripts); c.1476T>G, p.Ile492Met (NM_001407900.1, NM_001407902.1, NM_001407904.1 and 13 more transcripts); and 40 more; short protein forms I562M, I515M, I266M, I434M, I435M, I495M, I520M, I521M.
Identifiers: ClinVar variation 441443 (VCV000441443.18), dbSNP rs1268133978, ClinGen allele CA10598658.